The following is an entry in ClinVar:

NM_020884.7(MYH7B):c.3968G>A (p.Arg1323Gln)

Gene: MYH7B (myosin heavy chain 7B; plus strand). Cytogenetic location: 20q11.22.
Variant type: single nucleotide variant.
Coding change: c.3968G>A on transcript NM_020884.7 (MANE Select); coding-DNA position 3968, G replaced by A.
Protein change: p.Arg1323Gln; replaces arginine 1323 with glutamine.
Molecular consequence: missense variant.
Genome position (GRCh38, 1-based): chr20:34,998,604, G>A. VCF-style: chr20-34998604-G-A. GRCh37 (hg19) VCF-style: chr20-33586407-G-A.
Other names: c.4094G>A (NM_020884.4); short protein forms R1323Q.
Identifiers: ClinVar variation 3648128 (VCV003648128.3).

ClinVar aggregate classification (germline): Uncertain significance. Review status: criteria provided, multiple submitters, no conflicts (2 of 4 stars). 2 submissions from 2 submitters: Uncertain significance (2). Last evaluated 2026-01-26.

Conditions:
MYH7B-related disorder. Also called: MYH7B-related condition.

gnomAD v4.1: 33 of 1,613,332 alleles (0.002%); highest among the groups gnomAD compares: African/African-American, 0.024%; no homozygotes.

Submissions (2):

Labcorp Genetics (formerly Invitae), Labcorp
Classification: Uncertain significance. Last evaluated: 2026-01-26. Review status: criteria provided, single submitter. Criteria: Invitae Variant Classification Sherloc (09022015). Collection method: clinical testing. Allele origin: germline.
Comment: This sequence change replaces arginine, which is basic and polar, with glutamine, which is neutral and polar, at codon 1365 of the MYH7B protein (p.Arg1365Gln). This variant is present in population databases (rs199900154, gnomAD 0.04%). This variant has not been reported in the literature in individuals affected with MYH7B-related conditions. ClinVar contains an entry for this variant (Variation ID: 3648128). Invitae Evidence Modeling of protein sequence and biophysical properties (such as structural, functional, and spatial information, amino acid conservation, physicochemical variation, residue mobility, and thermodynamic stability) indicates that this missense variant is not expected to disrupt MYH7B protein function with a negative predictive value of 80%. In summary, the available evidence is currently insufficient to determine the role of this variant in disease. Therefore, it has been classified as a Variant of Uncertain Significance.

PreventionGenetics, part of Exact Sciences
Classification: Uncertain significance for MYH7B-related condition. Last evaluated: 2025-04-14. Review status: criteria provided, single submitter. Criteria: ACMG Guidelines, 2015. Collection method: clinical testing. Allele origin: germline.
Comment: The MYH7B c.4094G>A variant is predicted to result in the amino acid substitution p.Arg1365Gln. To our knowledge, this variant has not been reported in the literature. This variant is reported in 0.042% of alleles in individuals of African descent in gnomAD. At this time, the clinical significance of this variant is uncertain due to the absence of conclusive functional and genetic evidence.